The following is an entry in ClinVar:

NM_000081.4(LYST):c.5019C>A (p.Phe1673Leu)

Gene: LYST (lysosomal trafficking regulator; minus strand). Cytogenetic location: 1q42.3.
Variant type: single nucleotide variant.
Coding change: c.5019C>A on transcript NM_000081.4 (MANE Select); coding-DNA position 5019, C replaced by A.
Protein change: p.Phe1673Leu; replaces phenylalanine 1673 with leucine.
Molecular consequence: missense variant.
Genome position (GRCh38, 1-based): chr1:235,781,931, G>T on the plus strand (C>A on the coding strand, the complement: LYST is on the minus strand). VCF-style: chr1-235781931-G-T. GRCh37 (hg19) VCF-style: chr1-235945231-G-T.
Other names: c.5019C>A, p.Phe1673Leu (NM_001301365.1); short protein forms F1673L.
Identifiers: ClinVar variation 2867180 (VCV002867180.3), dbSNP rs2528042558, ClinGen allele CA344955799.

ClinVar aggregate classification (germline): Uncertain significance (1 of 4 stars; one submission).

Conditions:
Chédiak-Higashi syndrome (CHS). Also called: Chediak-Higashi Syndrome. Identifiers: Orphanet 167, MedGen C0007965, MONDO:0008963, OMIM 214500.

Submission:

Labcorp Genetics (formerly Invitae), Labcorp
Classification: Uncertain significance for Chédiak-Higashi syndrome. Last evaluated: 2023-05-22. Review status: criteria provided, single submitter. Criteria: Invitae Variant Classification Sherloc (09022015). Collection method: clinical testing. Allele origin: germline.
Comment: In summary, the available evidence is currently insufficient to determine the role of this variant in disease. Therefore, it has been classified as a Variant of Uncertain Significance. Advanced modeling of protein sequence and biophysical properties (such as structural, functional, and spatial information, amino acid conservation, physicochemical variation, residue mobility, and thermodynamic stability) performed at Invitae indicates that this missense variant is not expected to disrupt LYST protein function. This variant has not been reported in the literature in individuals affected with LYST-related conditions. This variant is not present in population databases (gnomAD no frequency). This sequence change replaces phenylalanine, which is neutral and non-polar, with leucine, which is neutral and non-polar, at codon 1673 of the LYST protein (p.Phe1673Leu).